The following is an entry in ClinVar:

ClinVar aggregate classification (germline): Conflicting classifications of pathogenicity. Review status: criteria provided, conflicting classifications (1 of 4 stars). 2 submissions from 2 submitters: Uncertain significance (1); Likely benign (1). Last evaluated 2022-08-20.

Allele frequency attached by ClinVar (database versions not stated): gnomAD exomes 0.00001; gnomAD 0.00002; TOPMed 0.00009.
gnomAD v4.1: 15 of 1,557,966 alleles (0.00096%); highest among the groups gnomAD compares: Admixed American, 0.012%; no homozygotes.

Submissions (2):

Labcorp Genetics (formerly Invitae), Labcorp
Classification: Uncertain significance. Last evaluated: 2022-08-20. Review status: criteria provided, single submitter. Criteria: Invitae Variant Classification Sherloc (09022015). Collection method: clinical testing. Allele origin: germline.
Comment: This sequence change affects codon 7 of the ADGRV1 mRNA. It is a 'silent' change, meaning that it does not change the encoded amino acid sequence of the ADGRV1 protein. The frequency data for this variant in the population databases is considered unreliable, as metrics indicate poor data quality at this position in the gnomAD database. This variant has not been reported in the literature in individuals affected with ADGRV1-related conditions. ClinVar contains an entry for this variant (Variation ID: 179382). Algorithms developed to predict the effect of sequence changes on RNA splicing suggest that this variant may disrupt the consensus splice site. In summary, the available evidence is currently insufficient to determine the role of this variant in disease. Therefore, it has been classified as a Variant of Uncertain Significance.

Laboratory for Molecular Medicine, Mass General Brigham Personalized Medicine
Classification: Likely benign. Last evaluated: 2013-11-22. Review status: criteria provided, single submitter. Criteria: LMM Criteria. Collection method: clinical testing. Allele origin: germline. Observed: 1 variant allele.
Comment: Pro7Pro (c.21A>C) in Exon 1 of GPR98: This variant is not expected to have clini cal significance because it does not alter an amino acid residue and, although i t is located in the second to last base in the exon near the 5' splice site, com putational tools do not predict an impact to splicing.

NM_032119.4(ADGRV1):c.21A>C (p.Pro7=)

Genes: ADGRV1 (adhesion G protein-coupled receptor V1; plus strand), LOC129994205 (ATAC-STARR-seq lymphoblastoid silent region 16170; plus strand). Cytogenetic location: 5q14.3.
Variant type: single nucleotide variant.
Coding change: c.21A>C on transcript NM_032119.4 (MANE Select); coding-DNA position 21, A replaced by C.
Protein change: p.Pro7=; no amino-acid change (proline 7 retained).
Molecular consequence: synonymous variant. On other transcripts: non-coding transcript variant (1).
Genome position (GRCh38, 1-based): chr5:90,558,916, A>C. VCF-style: chr5-90558916-A-C. GRCh37 (hg19) VCF-style: chr5-89854733-A-C.
Identifiers: ClinVar variation 179382 (VCV000179382.11), dbSNP rs727504831, ClinGen allele CA184314.